The following is an entry in ClinVar:

ClinVar aggregate classification (germline): Uncertain significance. Review status: criteria provided, multiple submitters, no conflicts (2 of 4 stars). 2 submissions from 2 submitters: Uncertain significance (2). Last evaluated 2025-12-21.

Conditions:
Inborn genetic diseases. Identifiers: MedGen C0950123, MeSH D030342.

Allele frequency attached by ClinVar (database versions not stated): gnomAD 0.00001; TOPMed 0.00001.

Submissions (2):

Labcorp Genetics (formerly Invitae), Labcorp
Classification: Uncertain significance. Last evaluated: 2025-12-21. Review status: criteria provided, single submitter. Criteria: Invitae Variant Classification Sherloc (09022015). Collection method: clinical testing. Allele origin: germline.
Comment: This sequence change replaces asparagine, which is neutral and polar, with serine, which is neutral and polar, at codon 128 of the THBD protein (p.Asn128Ser). The frequency data for this variant in the population databases is considered unreliable, as metrics indicate poor data quality at this position in the gnomAD database. This variant has not been reported in the literature in individuals affected with THBD-related conditions. ClinVar contains an entry for this variant (Variation ID: 1916914). An algorithm developed to predict the effect of missense changes on protein structure and function outputs the following: PolyPhen-2: "Benign". The serine amino acid residue is found in multiple mammalian species, which suggests that this missense change does not adversely affect protein function. In summary, the available evidence is currently insufficient to determine the role of this variant in disease. Therefore, it has been classified as a Variant of Uncertain Significance.

Ambry Genetics
Classification: Uncertain significance for Inborn genetic diseases. Last evaluated: 2022-01-27. Review status: criteria provided, single submitter. Criteria: Ambry Variant Classification Scheme 2023. Collection method: clinical testing. Allele origin: germline.

NM_000361.3(THBD):c.383A>G (p.Asn128Ser)

Gene: THBD (thrombomodulin; minus strand). Cytogenetic location: 20p11.21.
Variant type: single nucleotide variant.
Coding change: c.383A>G on transcript NM_000361.3 (MANE Select); coding-DNA position 383, A replaced by G.
Protein change: p.Asn128Ser; replaces asparagine 128 with serine.
Molecular consequence: missense variant.
Genome position (GRCh38, 1-based): chr20:23,049,122, T>C on the plus strand (A>G on the coding strand, the complement: THBD is on the minus strand). VCF-style: chr20-23049122-T-C. GRCh37 (hg19) VCF-style: chr20-23029759-T-C.
Other names: short protein forms N128S.
Identifiers: ClinVar variation 1916914 (VCV001916914.6), dbSNP rs1407619858, ClinGen allele CA408407802.